The following is an entry in ClinVar:

NM_145045.5(ODAD3):c.1579G>T (p.Ala527Ser)

Gene: ODAD3 (outer dynein arm docking complex subunit 3; minus strand). Cytogenetic location: 19p13.2.
Variant type: single nucleotide variant.
Coding change: c.1579G>T on transcript NM_145045.5 (MANE Select); coding-DNA position 1579, G replaced by T.
Protein change: p.Ala527Ser; replaces alanine 527 with serine.
Molecular consequence: missense variant.
Genome position (GRCh38, 1-based): chr19:11,421,688, C>A on the plus strand (G>T on the coding strand, the complement: ODAD3 is on the minus strand). VCF-style: chr19-11421688-C-A. GRCh37 (hg19) VCF-style: chr19-11532356-C-A.
Other names: c.1417G>T, p.Ala473Ser (NM_001302453.1); c.1399G>T, p.Ala467Ser (NM_001302454.2); short protein forms A467S, A473S, A527S.
Identifiers: ClinVar variation 1682758 (VCV001682758.6), dbSNP rs1174747093, ClinGen allele CA404119148.

ClinVar aggregate classification (germline): Uncertain significance (1 of 4 stars; one submission).

Conditions:
Primary ciliary dyskinesia 30. Also called: CILIARY DYSKINESIA, PRIMARY, 30, WITH OR WITHOUT SITUS INVERSUS. Identifiers: Orphanet 244, MedGen C4015016, MONDO:0014465, OMIM 616037.

Allele frequency attached by ClinVar (database versions not stated): gnomAD exomes below 0.00001.
gnomAD v4.1: 1 of 1,612,194 alleles (0.000062%); highest among the groups gnomAD compares: East Asian, 0.0022%; no homozygotes.

Submission:

Labcorp Genetics (formerly Invitae), Labcorp
Classification: Uncertain significance for Primary ciliary dyskinesia 30. Last evaluated: 2025-07-28. Review status: criteria provided, single submitter. Criteria: Invitae Variant Classification Sherloc (09022015). Collection method: clinical testing. Allele origin: germline.
Comment: This sequence change replaces alanine, which is neutral and non-polar, with serine, which is neutral and polar, at codon 527 of the CCDC151 protein (p.Ala527Ser). This variant is present in population databases (no rsID available, gnomAD 0.006%). This variant has not been reported in the literature in individuals affected with CCDC151-related conditions. ClinVar contains an entry for this variant (Variation ID: 1682758). An algorithm developed to predict the effect of missense changes on protein structure and function outputs the following: PolyPhen-2: "Benign". The serine amino acid residue is found in multiple mammalian species, which suggests that this missense change does not adversely affect protein function. In summary, the available evidence is currently insufficient to determine the role of this variant in disease. Therefore, it has been classified as a Variant of Uncertain Significance.